The following is an entry in ClinVar:

ClinVar aggregate classification (germline): Conflicting classifications of pathogenicity. Review status: criteria provided, conflicting classifications (1 of 4 stars). 2 submissions from 2 submitters: Uncertain significance (1); Likely benign (1). Last evaluated 2026-09-04.

Conditions:
Inborn genetic diseases. Identifiers: MedGen C0950123, MeSH D030342.

gnomAD v4.1: 29 of 1,612,506 alleles (0.0018%); highest among the groups gnomAD compares: African/African-American, 0.037%; no homozygotes.

Submissions (2):

GeneDx
Classification: Uncertain significance. Last evaluated: 2026-09-04. Review status: criteria provided, single submitter. Criteria: GeneDx Variant Classification Process June 2021. Collection method: clinical testing. Allele origin: germline.
Comment: In silico analysis supports that this missense variant has a deleterious effect on protein structure/function; Has not been previously published as pathogenic or benign to our knowledge

Ambry Genetics
Classification: Likely benign for Inborn genetic diseases. Last evaluated: 2024-11-26. Review status: criteria provided, single submitter. Criteria: Ambry Variant Classification Scheme 2023. Collection method: clinical testing. Allele origin: germline.

NM_133259.4(LRPPRC):c.3044G>C (p.Trp1015Ser)

Gene: LRPPRC (leucine rich pentatricopeptide repeat containing; minus strand). Cytogenetic location: 2p21.
Variant type: single nucleotide variant.
Coding change: c.3044G>C on transcript NM_133259.4 (MANE Select); coding-DNA position 3044, G replaced by C.
Protein change: p.Trp1015Ser; replaces tryptophan 1015 with serine.
Molecular consequence: missense variant.
Genome position (GRCh38, 1-based): chr2:43,918,129, C>G on the plus strand (G>C on the coding strand, the complement: LRPPRC is on the minus strand). VCF-style: chr2-43918129-C-G. GRCh37 (hg19) VCF-style: chr2-44145268-C-G.
Other names: short protein forms W1015S.
Identifiers: ClinVar variation 3341033 (VCV003341033.3).